The following is an entry in ClinVar:

NM_024503.5(HIVEP3):c.2512C>T (p.Arg838Cys)

Gene: HIVEP3 (HIVEP zinc finger 3; minus strand). Cytogenetic location: 1p34.2.
Variant type: single nucleotide variant.
Coding change: c.2512C>T on transcript NM_024503.5 (MANE Select); coding-DNA position 2512, C replaced by T.
Protein change: p.Arg838Cys; replaces arginine 838 with cysteine.
Molecular consequence: missense variant.
Genome position (GRCh38, 1-based): chr1:41,582,286, G>A on the plus strand (C>T on the coding strand, the complement: HIVEP3 is on the minus strand). VCF-style: chr1-41582286-G-A. GRCh37 (hg19) VCF-style: chr1-42047957-G-A.
Other names: c.2512C>T, p.Arg838Cys (NM_001127714.3); short protein forms R838C.
Identifiers: ClinVar variation 3044334 (VCV003044334.2), dbSNP rs147650565, ClinGen allele CA798026.
Genomic context (GRCh38, chr1:41,582,286, plus strand): 5'-TCTCAGGAACCTGAATGTTGGGCTGGCGGACCAACTTAGGCTGCAGGGAGTGAGCAGAGC[G>A]TCCGTGTGGGGCAGGTGGGGGTGATGGGAACTGGGCCAGAGGTTTGTCTTCCCCTTCCAA-3'
Protein context (NP_078779.2, residues 828-848): FPSPPPAPHG[Arg838Cys]SAHSLQPKLV

ClinVar aggregate classification (germline): Likely benign (0 of 4 stars; one submission).

Conditions:
HIVEP3-related disorder. Also called: HIVEP3-related condition.

Allele frequency attached by ClinVar (database versions not stated): ExAC 0.00047; 1000 Genomes Project 0.00100; 1000 Genomes Project 30x 0.00109; gnomAD 0.00132; ESP Exome Variant Server 0.00185.
gnomAD v4.1: 523 of 1,614,108 alleles (0.032%); highest among the groups gnomAD compares: African/African-American, 0.48%; 2 homozygotes.

Submission:

PreventionGenetics, part of Exact Sciences
Classification: Likely benign for HIVEP3-related condition. Last evaluated: 2019-06-05. Review status: no assertion criteria provided. Collection method: clinical testing. Allele origin: germline.
Comment: This variant is classified as likely benign based on ACMG/AMP sequence variant interpretation guidelines (Richards et al. 2015 PMID: 25741868, with internal and published modifications).